The following is an entry in ClinVar:

NM_003235.5(TG):c.3860G>A (p.Trp1287Ter)

Gene: TG (thyroglobulin; plus strand). Cytogenetic location: 8q24.22.
Variant type: single nucleotide variant.
Coding change: c.3860G>A on transcript NM_003235.5 (MANE Select); coding-DNA position 3860, G replaced by A.
Protein change: p.Trp1287Ter; replaces tryptophan 1287 with a stop codon.
Molecular consequence: nonsense.
Genome position (GRCh38, 1-based): chr8:132,908,198, G>A. VCF-style: chr8-132908198-G-A. GRCh37 (hg19) VCF-style: chr8-133920443-G-A.
Other names: short protein forms W1287*.
Identifiers: ClinVar variation 3641245 (VCV003641245.2).

ClinVar aggregate classification (germline): Pathogenic (1 of 4 stars; one submission).

Submission:

Labcorp Genetics (formerly Invitae), Labcorp
Classification: Pathogenic. Last evaluated: 2024-02-16. Review status: criteria provided, single submitter. Criteria: Invitae Variant Classification Sherloc (09022015). Collection method: clinical testing. Allele origin: germline.
Comment: This sequence change creates a premature translational stop signal (p.Trp1287*) in the TG gene. It is expected to result in an absent or disrupted protein product. Loss-of-function variants in TG are known to be pathogenic (PMID: 19837936, 23164529). This variant is not present in population databases (gnomAD no frequency). This variant has not been reported in the literature in individuals affected with TG-related conditions. For these reasons, this variant has been classified as Pathogenic.

Literature cited by the submitters: PubMed 19837936; PubMed 23164529.